The following is an entry in ClinVar:

NM_004260.4(RECQL4):c.152C>A (p.Thr51Asn)

Genes: RECQL4 (RecQ like helicase 4; minus strand), LOC130001411 (ATAC-STARR-seq lymphoblastoid silent region 19699; plus strand). Cytogenetic location: 8q24.3.
Variant type: single nucleotide variant.
Coding change: c.152C>A on transcript NM_004260.4 (MANE Select); coding-DNA position 152, C replaced by A.
Protein change: p.Thr51Asn; replaces threonine 51 with asparagine.
Molecular consequence: missense variant. On other transcripts: 5 prime UTR variant (16), non-coding transcript variant (3), intron variant (2).
Genome position (GRCh38, 1-based): chr8:144,517,475, G>T on the plus strand (C>A on the coding strand, the complement: RECQL4 is on the minus strand). VCF-style: chr8-144517475-G-T. GRCh37 (hg19) VCF-style: chr8-145742859-G-T.
Other names: c.152C>A, p.Thr51Asn (NM_001413017.1, NM_001413018.1, NM_001413019.1 and 5 more transcripts); c.-569C>A (NM_001413021.1); c.-920C>A (NM_001413022.1, NM_001413023.1, NM_001413037.1 and 2 more transcripts); c.-817C>A (NM_001413024.1, NM_001413035.1); c.-982C>A (NM_001413027.1, NM_001413030.1, NM_001413031.1 and 1 more transcripts); c.-645C>A (NM_001413028.1); c.-879C>A (NM_001413032.1); c.-824C>A (NM_001413034.1); and 3 more; short protein forms T51N.
Identifiers: ClinVar variation 4863195 (VCV004863195.1).
Genomic context (GRCh38, chr8:144,517,475, plus strand): 5'-TCTTCGGCCGCCGCGGGGAGCGACTCGGAGCTGCGGAGCCCGCCGCCGGCCTGGCCCGTG[G>T]TACGCTTCAGAGTGCGGTATTCCCGGTAGAGCGCTGCGTGGGCGAGCGGGAGGCGGGGTC-3'
Protein context (NP_004251.4, residues 41-61): LYREYRTLKR[Thr51Asn]TGQAGGGLRS

ClinVar aggregate classification (germline): Uncertain significance (1 of 4 stars; one submission).

Conditions:
Inborn genetic diseases. Identifiers: MedGen C0950123, MeSH D030342.

Submission:

Ambry Genetics
Classification: Uncertain significance for Inborn genetic diseases. Last evaluated: 2026-05-19. Review status: criteria provided, single submitter. Criteria: Ambry Variant Classification Scheme 2023. Collection method: clinical testing. Allele origin: germline.
Comment: The p.T51N variant (also known as c.152C>A), located in coding exon 3 of the RECQL4 gene, results from a C to A substitution at nucleotide position 152. The threonine at codon 51 is replaced by asparagine, an amino acid with similar properties. This amino acid position is conserved. In addition, this alteration is predicted to be tolerated by in silico analysis. Based on the available evidence, the clinical significance of this variant remains unclear.